The following is an entry in ClinVar:

NM_032590.5(KDM2B):c.397+7C>T

Gene: KDM2B (lysine demethylase 2B; minus strand). Cytogenetic location: 12q24.31.
Variant type: single nucleotide variant.
Coding change: c.397+7C>T on transcript NM_032590.5 (MANE Select); 7 bases into the intron after coding-DNA position 397, C replaced by T.
Molecular consequence: intron variant.
Genome position (GRCh38, 1-based): chr12:121,574,540, G>A on the plus strand (C>T on the coding strand, the complement: KDM2B is on the minus strand). VCF-style: chr12-121574540-G-A. GRCh37 (hg19) VCF-style: chr12-122012445-G-A.
Other names: c.304+7C>T (NM_001005366.2).
Identifiers: ClinVar variation 715044 (VCV000715044.5), dbSNP rs188008973, ClinGen allele CA6837225.

ClinVar aggregate classification (germline): Benign. Review status: criteria provided, single submitter (1 of 4 stars). 2 submissions from 2 submitters: Benign (1). 1 of the submissions does not count toward it. Last evaluated 2018-02-25.

Conditions:
KDM2B-related disorder. Also called: KDM2B-related condition.

Allele frequency attached by ClinVar (database versions not stated): gnomAD exomes 0.00094; ExAC 0.00099; 1000 Genomes Project 0.00280; gnomAD 0.00320 and 0.00355; ESP Exome Variant Server 0.00322; 1000 Genomes Project 30x 0.00344; TOPMed 0.00399.
gnomAD v4.1: 942 of 1,613,622 alleles (0.058%); highest among the groups gnomAD compares: African/African-American, 1.1%; 4 homozygotes.

Submissions (2):

Labcorp Genetics (formerly Invitae), Labcorp
Classification: Benign. Last evaluated: 2018-02-25. Review status: criteria provided, single submitter. Criteria: Invitae Variant Classification Sherloc (09022015). Collection method: clinical testing. Allele origin: germline.

PreventionGenetics, part of Exact Sciences
Classification: Benign for KDM2B-related condition. Last evaluated: 2019-04-01. Review status: no assertion criteria provided. Collection method: clinical testing. Allele origin: germline. Not counted in ClinVar's aggregate classification.
Comment: This variant is classified as benign based on ACMG/AMP sequence variant interpretation guidelines (Richards et al. 2015 PMID: 25741868, with internal and published modifications).